The following is an entry in ClinVar:

NM_003000.3(SDHB):c.688dup (p.Arg230fs)

Gene: SDHB (succinate dehydrogenase complex iron sulfur subunit B; minus strand). Cytogenetic location: 1p36.13.
Variant type: Duplication.
Coding change: c.688dup on transcript NM_003000.3 (MANE Select); coding-DNA position 688, one base duplicated (C; older notation c.688dupC).
Protein change: p.Arg230fs; shifts the reading frame from arginine 230.
Molecular consequence: frameshift variant.
Genome position (GRCh38, 1-based): chr1:17,022,685, G duplicated on the plus strand (C on the coding strand, the reverse complement: SDHB is on the minus strand). VCF-style (leftmost placement, unchanged base first): chr1-17022684-C-CG. GRCh37 (hg19) VCF-style: chr1-17349179-C-CG.
Other names: short protein forms R230fs.
Identifiers: ClinVar variation 826681 (VCV000826681.5), dbSNP rs1570944890, ClinGen allele CA915941151.

ClinVar aggregate classification (germline): Pathogenic (1 of 4 stars; one submission).

Conditions:
Hereditary cancer-predisposing syndrome. Also called: Neoplastic Syndromes, Hereditary; Tumor predisposition; Hereditary neoplastic syndrome; Hereditary Cancer Syndrome. Identifiers: Orphanet 140162, MedGen C0027672, MeSH D009386, MONDO:0015356.

Submission:

Ambry Genetics
Classification: Pathogenic for Hereditary cancer-predisposing syndrome. Last evaluated: 2025-04-04. Review status: criteria provided, single submitter. Criteria: Ambry Variant Classification Scheme 2023. Collection method: clinical testing. Allele origin: germline.
Comment: The c.688dupC pathogenic mutation, located in coding exon 7 of the SDHB gene, results from a duplication of C at nucleotide position 688, causing a translational frameshift with a predicted alternate stop codon (p.R230Pfs*26). This alteration occurs at the 3' terminus of theSDHB gene, is not expected to trigger nonsense-mediated mRNA decay, and impacts the last 18% of the protein. However, premature stop codons are typically deleterious in nature and a significant portion of the protein is affected (Ambry internal data). This alteration, designated c.688-689insC, has been previously identified in 1 of 575 Australian individuals with a personal history of pheochromocytoma and/or paraganglioma (Benn DE et al. J. Med. Genet., 2018 Nov;55:729-734). This variant is considered to be rare based on population cohorts in the Genome Aggregation Database (gnomAD). Based on the supporting evidence, this variant is interpreted as a disease-causing mutation.

Literature cited by the submitters: PubMed 30201732.